The following is an entry in ClinVar:

NM_000053.4(ATP7B):c.2855G>A (p.Arg952Lys)

Gene: ATP7B (ATPase copper transporting beta; minus strand). Cytogenetic location: 13q14.3.
Variant type: single nucleotide variant.
Coding change: c.2855G>A on transcript NM_000053.4 (MANE Select); coding-DNA position 2855, G replaced by A.
Protein change: p.Arg952Lys; replaces arginine 952 with lysine.
Molecular consequence: missense variant. On other transcripts: intron variant (1).
Genome position (GRCh38, 1-based): chr13:51,949,672, C>T on the plus strand (G>A on the coding strand, the complement: ATP7B is on the minus strand). VCF-style: chr13-51949672-C-T. GRCh37 (hg19) VCF-style: chr13-52523808-C-T.
Other names: c.2522G>A, p.Arg841Lys (NM_001243182.2); c.2621G>A, p.Arg874Lys (NM_001330578.2); c.2603G>A, p.Arg868Lys (NM_001330579.2); c.2244+335G>A (NM_001005918.3); short protein forms R952K, R868K, R874K, R841K.
Identifiers: ClinVar variation 35708 (VCV000035708.47), dbSNP rs732774, ClinGen allele CA145676.

ClinVar aggregate classification (germline): Benign. Review status: criteria provided, multiple submitters, no conflicts (2 of 4 stars). 21 submissions from 21 submitters: Benign (14). 7 of the submissions do not count toward it. Last evaluated 2026-02-04.

Conditions:
Inborn genetic diseases. Identifiers: MedGen C0950123, MeSH D030342.
Wilson disease (WND). Also called: Wilson's disease. Identifiers: Orphanet 905, MedGen C0019202, MONDO:0010200, OMIM 277900. Disease mechanism: loss of function.

Allele frequency attached by ClinVar (database versions not stated): 1000 Genomes Project 0.53095; 1000 Genomes Project 30x 0.54060; ExAC 0.56269; gnomAD 0.56337 and 0.56484; TOPMed 0.56281; gnomAD exomes 0.56702 and 0.57847; ESP Exome Variant Server 0.57165.
gnomAD v4.1: 930,537 of 1,613,064 alleles (58%); highest among the groups gnomAD compares: Middle Eastern, 63%; 270,218 homozygotes.

Submissions (21):

Labcorp Genetics (formerly Invitae), Labcorp
Classification: Benign for Wilson disease. Last evaluated: 2026-02-04. Review status: criteria provided, single submitter. Criteria: Invitae Variant Classification Sherloc (09022015). Collection method: clinical testing. Allele origin: germline.

Blueprint Genetics
Classification: Benign. Last evaluated: 2024-11-27. Review status: criteria provided, single submitter. Criteria: ACMG Guidelines, 2015. Collection method: clinical testing. Allele origin: germline.

All of Us Research Program, National Institutes of Health
Classification: Benign for Wilson disease. Last evaluated: 2024-10-03. Review status: criteria provided, single submitter. Criteria: ACMG Guidelines, 2015. Collection method: clinical testing. Allele origin: germline. Inheritance: Autosomal recessive inheritance. Observed: 117,631 variant alleles, 69,410 heterozygotes, 48,196 homozygotes, 25 hemizygotes.
Comment: This study involves interpretation of variants in research participants for the purpose of population health screening. Participant phenotype was not available at the time of variant classification. Additional details can be found in publication PMID: 35346344, PMCID: PMC8962531

Mayo Clinic Laboratories, Mayo Clinic
Classification: Benign. Last evaluated: 2023-01-06. Review status: criteria provided, single submitter. Criteria: ACMG Guidelines, 2015. Collection method: clinical testing. Allele origin: germline. Observed: 2,201 variant alleles.
Comment: BA1

ARUP Laboratories, Molecular Genetics and Genomics, ARUP Laboratories
Classification: Benign for Wilson disease. Last evaluated: 2022-03-08. Review status: criteria provided, single submitter. Criteria: ARUP Molecular Germline Variant Investigation Process 2021. Collection method: clinical testing. Allele origin: germline.

Genome-Nilou Lab
Classification: Benign for Wilson disease. Last evaluated: 2021-07-01. Review status: criteria provided, single submitter. Criteria: ACMG Guidelines, 2015. Collection method: clinical testing. Allele origin: germline. Affected: no.

Color Diagnostics, LLC DBA Color Health
Classification: Benign for Wilson disease. Last evaluated: 2018-03-05. Review status: criteria provided, single submitter. Criteria: ACMG Guidelines, 2015. Collection method: clinical testing. Allele origin: germline.

Illumina Laboratory Services, Illumina
Classification: Benign for Wilson disease. Last evaluated: 2018-01-13. Review status: criteria provided, single submitter. Criteria: ICSL Variant Classification Criteria 13 December 2019. Collection method: clinical testing. Allele origin: germline.
Comment: This variant was observed in the ICSL laboratory as part of a predisposition screen in an ostensibly healthy population. It had not been previously curated by ICSL or reported in the Human Gene Mutation Database (HGMD: prior to June 1st, 2018), and was therefore a candidate for classification through an automated scoring system. Utilizing variant allele frequency, disease prevalence and penetrance estimates, and inheritance mode, an automated score was calculated to assess if this variant is too frequent to cause the disease. Based on the score and internal cut-off values, a variant classified as benign is not then subjected to further curation. The score for this variant resulted in a classification of benign for this disease.

Ambry Genetics
Classification: Benign for Inborn genetic diseases. Last evaluated: 2016-07-01. Review status: criteria provided, single submitter. Criteria: Ambry Variant Classification Scheme 2023. Collection method: clinical testing. Allele origin: germline.

Eurofins Ntd Llc (ga)
Classification: Benign. Last evaluated: 2016-04-27. Review status: criteria provided, single submitter. Criteria: EGL Classification Definitions 2015. Collection method: clinical testing. Allele origin: germline. Observed: 52 variant alleles, 30 heterozygotes, 22 homozygotes.

GeneDx
Classification: Benign. Last evaluated: 2016-01-05. Review status: criteria provided, single submitter. Criteria: GeneDx Variant Classification (06012015). Collection method: clinical testing. Allele origin: germline. Affected: yes.
Comment: This variant is considered likely benign or benign based on one or more of the following criteria: it is a conservative change, it occurs at a poorly conserved position in the protein, it is predicted to be benign by multiple in silico algorithms, and/or has population frequency not consistent with disease.

Women's Health and Genetics/Laboratory Corporation of America, LabCorp
Classification: Benign for Wilson Disease. Last evaluated: 2011-08-18. Review status: criteria provided, single submitter. Criteria: LabCorp Variant Classification Summary - May 2015. Collection method: curation, clinical testing. Allele origin: germline. Inheritance: autosomal unknown. Affected: yes.
ClinVar note: Converted during submission from benign to Benign.

Breakthrough Genomics
Classification: Benign. Review status: criteria provided, single submitter. Criteria: ACMG Guidelines, 2015. Collection method: not provided. Allele origin: germline. Inheritance: Autosomal recessive inheritance. Affected: yes.

PreventionGenetics, part of Exact Sciences
Classification: Benign. Review status: criteria provided, single submitter. Criteria: ACMG Guidelines, 2015. Collection method: clinical testing. Allele origin: germline.

Natera, Inc.
Classification: Benign for Wilson disease. Last evaluated: 2020-09-16. Review status: no assertion criteria provided. Collection method: clinical testing. Allele origin: germline. Not counted in ClinVar's aggregate classification.

Clinical Genetics, Academic Medical Center
Classification: Benign. Review status: no assertion criteria provided. Collection method: clinical testing. Allele origin: germline. Affected: yes. Study: VKGL Data-share Consensus. Not counted in ClinVar's aggregate classification.

Department of Pathology and Laboratory Medicine, Sinai Health System
Classification: Uncertain significance. Review status: no assertion criteria provided. Collection method: clinical testing. Allele origin: unknown. Affected: yes. Study: The Canadian Open Genetics Repository (COGR). Not counted in ClinVar's aggregate classification.
Comment: multiple AR variants in same gene - keep for nowAllele frequency is common in at least one population database (frequency: 64.047% in ExAC) based on the frequency threshold of 2.434% for this gene.Variant was observed in a homozygous state in population databases more than expected for disease.

Diagnostic Laboratory, Department of Genetics, University Medical Center Groningen
Classification: Benign for Wilson disease. Review status: no assertion criteria provided. Collection method: clinical testing. Allele origin: germline. Affected: yes. Study: VKGL Data-share Consensus. Not counted in ClinVar's aggregate classification.

Genetic Services Laboratory, University of Chicago
Classification: Likely benign. Review status: no assertion criteria provided. Collection method: clinical testing. Allele origin: germline. Inheritance: Autosomal recessive inheritance. Not counted in ClinVar's aggregate classification.
Comment: Likely benign based on allele frequency in 1000 Genomes Project or ESP global frequency and its presence in a patient with a rare or unrelated disease phenotype. NOT Sanger confirmed

Genome Diagnostics Laboratory, Amsterdam University Medical Center
Classification: Benign. Review status: no assertion criteria provided. Collection method: clinical testing. Allele origin: germline. Affected: yes. Study: VKGL Data-share Consensus. Not counted in ClinVar's aggregate classification.

Joint Genome Diagnostic Labs from Nijmegen and Maastricht, Radboudumc and MUMC+
Classification: Benign. Review status: no assertion criteria provided. Collection method: clinical testing. Allele origin: germline. Affected: yes. Study: VKGL Data-share Consensus. Not counted in ClinVar's aggregate classification.

Literature cited by the submitters: PubMed 7626145 (cited by Women's Health and Genetics/Laboratory Corporation of America, LabCorp).